The following is an entry in ClinVar:

ClinVar aggregate classification (germline): Uncertain significance (1 of 4 stars; one submission).

Allele frequency attached by ClinVar (database versions not stated): TOPMed below 0.00001; gnomAD exomes 0.00001.
gnomAD v4.1: 13 of 1,612,616 alleles (0.00081%); highest among the groups gnomAD compares: Non-Finnish European, 0.0011%; no homozygotes.

Submission:

GeneDx
Classification: Uncertain significance. Last evaluated: 2019-08-06. Review status: criteria provided, single submitter. Criteria: GeneDx Variant Classification Process June 2021. Collection method: clinical testing. Allele origin: germline. Affected: yes.
Comment: Not observed in large population cohorts (Lek et al., 2016); Missense variant in a gene in which most reported pathogenic variants are truncating/loss-of-function; In silico analysis, which includes protein predictors and evolutionary conservation, supports that this variant does not alter protein structure/function; Has not been previously published as pathogenic or benign to our knowledge

NM_001267550.2(TTN):c.44657T>A (p.Phe14886Tyr)

Gene: TTN (titin; minus strand). Cytogenetic location: 2q31.2.
Variant type: single nucleotide variant.
Coding change: c.44657T>A on transcript NM_001267550.2 (MANE Select); coding-DNA position 44657, T replaced by A.
Protein change: p.Phe14886Tyr; replaces phenylalanine 14886 with tyrosine.
Molecular consequence: missense variant.
Genome position (GRCh38, 1-based): chr2:178,624,623, A>T on the plus strand (T>A on the coding strand, the complement: TTN is on the minus strand). VCF-style: chr2-178624623-A-T. GRCh37 (hg19) VCF-style: chr2-179489350-A-T.
Other names: c.39734T>A, p.Phe13245Tyr (NM_001256850.1); c.17462T>A, p.Phe5821Tyr (NM_003319.4); c.36953T>A, p.Phe12318Tyr (NM_133378.4); c.17837T>A, p.Phe5946Tyr (NM_133432.3); c.18038T>A, p.Phe6013Tyr (NM_133437.4); short protein forms F12318Y, F13245Y, F14886Y, F5821Y, F5946Y, F6013Y.
Identifiers: ClinVar variation 1307094 (VCV001307094.2), dbSNP rs2058759633, ClinGen allele CA349640852.